The following is an entry in ClinVar:

NM_032119.4(ADGRV1):c.7945+5G>A

Gene: ADGRV1 (adhesion G protein-coupled receptor V1; plus strand). Cytogenetic location: 5q14.3.
Variant type: single nucleotide variant.
Coding change: c.7945+5G>A on transcript NM_032119.4 (MANE Select); 5 bases into the intron after coding-DNA position 7945, G replaced by A.
Molecular consequence: intron variant.
Genome position (GRCh38, 1-based): chr5:90,694,706, G>A. VCF-style: chr5-90694706-G-A. GRCh37 (hg19) VCF-style: chr5-89990523-G-A.
Identifiers: ClinVar variation 1391062 (VCV001391062.4), dbSNP rs1390802866, ClinGen allele CA560898237.

ClinVar aggregate classification (germline): Uncertain significance. Review status: criteria provided, multiple submitters, no conflicts (2 of 4 stars). 2 submissions from 2 submitters: Uncertain significance (2). Last evaluated 2024-05-06.

Allele frequency attached by ClinVar (database versions not stated): gnomAD exomes below 0.00001 and 0.00001; TOPMed 0.00001.
gnomAD v4.1: 15 of 1,555,926 alleles (0.00096%); highest among the groups gnomAD compares: Admixed American, 0.0019%; no homozygotes.

Submissions (2):

Blueprint Genetics
Classification: Uncertain significance. Last evaluated: 2024-05-06. Review status: criteria provided, single submitter. Criteria: ACMG Guidelines, 2015. Collection method: clinical testing. Allele origin: germline.

Labcorp Genetics (formerly Invitae), Labcorp
Classification: Uncertain significance. Last evaluated: 2022-08-23. Review status: criteria provided, single submitter. Criteria: Invitae Variant Classification Sherloc (09022015). Collection method: clinical testing. Allele origin: germline.
Comment: This sequence change falls in intron 33 of the ADGRV1 gene. It does not directly change the encoded amino acid sequence of the ADGRV1 protein. It affects a nucleotide within the consensus splice site. This variant is present in population databases (no rsID available, gnomAD 0.004%). This variant has not been reported in the literature in individuals affected with ADGRV1-related conditions. ClinVar contains an entry for this variant (Variation ID: 1391062). Variants that disrupt the consensus splice site are a relatively common cause of aberrant splicing (PMID: 17576681, 9536098). Algorithms developed to predict the effect of sequence changes on RNA splicing suggest that this variant may disrupt the consensus splice site. In summary, the available evidence is currently insufficient to determine the role of this variant in disease. Therefore, it has been classified as a Variant of Uncertain Significance.

Literature cited by the submitters: PubMed 17576681 (cited by Labcorp Genetics (formerly Invitae), Labcorp); PubMed 9536098 (cited by Labcorp Genetics (formerly Invitae), Labcorp).